The following is an entry in ClinVar:

NM_000441.2(SLC26A4):c.1651dup (p.Ser551fs)

Gene: SLC26A4 (solute carrier family 26 member 4; plus strand). Cytogenetic location: 7q22.3.
Variant type: Duplication.
Coding change: c.1651dup on transcript NM_000441.2 (MANE Select); coding-DNA position 1651, one base duplicated (T; older notation c.1651dupT).
Protein change: p.Ser551fs; shifts the reading frame from serine 551.
Molecular consequence: frameshift variant.
Genome position (GRCh38, 1-based): chr7:107,700,119, T duplicated; the last of 4 consecutive T bases (chr7:107,700,116-107,700,119); duplicating any one gives the same sequence. VCF-style (leftmost placement, unchanged base first): chr7-107700115-A-AT. GRCh37 (hg19) VCF-style: chr7-107340560-A-AT.
Other names: short protein forms S551fs.
Identifiers: ClinVar variation 446455 (VCV000446455.11), dbSNP rs1554360678, ClinGen allele CA16020693.

ClinVar aggregate classification (germline): Pathogenic. Review status: criteria provided, multiple submitters, no conflicts (2 of 4 stars). 5 submissions from 5 submitters: Pathogenic (5). Last evaluated 2023-03-28.

Conditions:
Autosomal recessive nonsyndromic hearing loss 4 (DFNB4). Also called: Nonsyndromic enlarged vestibular aqueduct (NSEVA); Deafness, autosomal recessive 4; Deafness, autosomal recessive 4, with enlarged vestibular aqueduct; Enlarged vestibular aqueduct, digenic; NEUROSENSORY NONSYNDROMIC RECESSIVE DEAFNESS 4; FOXI1-Related Pendred Syndrome. Identifiers: Orphanet 90636, MedGen C3538946, MONDO:0010933, OMIM 600791.

Submissions (5):

Baylor Genetics
Classification: Pathogenic for Autosomal recessive nonsyndromic hearing loss 4. Last evaluated: 2023-03-28. Review status: criteria provided, single submitter. Criteria: ACMG Guidelines, 2015. Collection method: clinical testing. Allele origin: unknown.

Labcorp Genetics (formerly Invitae), Labcorp
Classification: Pathogenic. Last evaluated: 2022-11-15. Review status: criteria provided, single submitter. Criteria: Invitae Variant Classification Sherloc (09022015). Collection method: clinical testing. Allele origin: germline.
Comment: ClinVar contains an entry for this variant (Variation ID: 446455). For these reasons, this variant has been classified as Pathogenic. This premature translational stop signal has been observed in individual(s) with clinical features of Pendred syndrome (PMID: 11558900, 31427586). This variant is also known as c.1652insT. This variant is not present in population databases (gnomAD no frequency). This sequence change creates a premature translational stop signal (p.Ser551Phefs*13) in the SLC26A4 gene. It is expected to result in an absent or disrupted protein product. Loss-of-function variants in SLC26A4 are known to be pathogenic (PMID: 16283880, 25394566, 26252218, 26445815).

Genome-Nilou Lab
Classification: Pathogenic for Autosomal recessive nonsyndromic hearing loss 4. Last evaluated: 2021-09-05. Review status: criteria provided, single submitter. Criteria: ACMG Guidelines, 2015. Collection method: clinical testing. Allele origin: germline. Affected: no.

National Institute of Sensory Organs, National Hospital Organization Tokyo Medical Center
Classification: Pathogenic for Autosomal recessive nonsyndromic hearing loss 4. Last evaluated: 2019-08-20. Review status: criteria provided, single submitter. Criteria: ACMG Guidelines, 2015. Collection method: clinical testing. Allele origin: germline. Inheritance: Autosomal recessive inheritance. Affected: yes. Observed: 2 compound heterozygotes. Clinical features observed: Hearing impairment (HP:0000365), Sensorineural hearing loss (HP:0000407), Profound hearing impairment (HP:0012715), Goiter (HP:0000853). Segregation with disease observed.

Division of Hearing and Balance Research, National Hospital Organization Tokyo Medical Center
Classification: Pathogenic for Autosomal recessive nonsyndromic hearing loss 4. Last evaluated: 2017-07-01. Review status: criteria provided, single submitter. Criteria: Submitter's publication. Collection method: clinical testing. Allele origin: germline. Affected: yes. Observed: 1 variant allele.

Literature cited by the submitters: PubMed 11558900 (cited by Labcorp Genetics (formerly Invitae), Labcorp and National Institute of Sensory Organs, National Hospital Organization Tokyo Medical Center); PubMed 31427586 (cited by Labcorp Genetics (formerly Invitae), Labcorp); PubMed 16283880 (cited by Labcorp Genetics (formerly Invitae), Labcorp); PubMed 25394566 (cited by Labcorp Genetics (formerly Invitae), Labcorp); PubMed 26252218 (cited by Labcorp Genetics (formerly Invitae), Labcorp); PubMed 26445815 (cited by Labcorp Genetics (formerly Invitae), Labcorp); PubMed 23967202 (cited by National Institute of Sensory Organs, National Hospital Organization Tokyo Medical Center); PubMed 31599023 (cited by National Institute of Sensory Organs, National Hospital Organization Tokyo Medical Center).